The following is an entry in ClinVar:

ClinVar aggregate classification (germline): Uncertain significance (1 of 4 stars; one submission).

Conditions:
PLXNA2-related disorder. Also called: PLXNA2-related condition.

Allele frequency attached by ClinVar (database versions not stated): gnomAD 0.00001; ExAC 0.00002; TOPMed 0.00002.
gnomAD v4.1: 18 of 1,613,782 alleles (0.0011%); highest among the groups gnomAD compares: East Asian, 0.013%; no homozygotes.

Submission:

PreventionGenetics, part of Exact Sciences
Classification: Uncertain significance for PLXNA2-related condition. Last evaluated: 2025-11-05. Review status: criteria provided, single submitter. Criteria: ACMG Guidelines, 2015. Collection method: clinical testing. Allele origin: germline.
Comment: The PLXNA2 c.4000G>A variant is predicted to result in the amino acid substitution p.Val1334Ile. To our knowledge, this variant has not been reported in the literature. This variant is reported in 0.016% of alleles in individuals of East Asian descent in gnomAD. At this time, the clinical significance of this variant is uncertain due to the absence of conclusive functional and genetic evidence.

NM_025179.4(PLXNA2):c.4000G>A (p.Val1334Ile)

Gene: PLXNA2 (plexin A2; minus strand). Cytogenetic location: 1q32.2.
Variant type: single nucleotide variant.
Coding change: c.4000G>A on transcript NM_025179.4 (MANE Select); coding-DNA position 4000, G replaced by A.
Protein change: p.Val1334Ile; replaces valine 1334 with isoleucine.
Molecular consequence: missense variant.
Genome position (GRCh38, 1-based): chr1:208,043,078, C>T on the plus strand (G>A on the coding strand, the complement: PLXNA2 is on the minus strand). VCF-style: chr1-208043078-C-T. GRCh37 (hg19) VCF-style: chr1-208216423-C-T.
Other names: short protein forms V1334I.
Identifiers: ClinVar variation 3058582 (VCV003058582.3), dbSNP rs767936962, ClinGen allele CA1373013.